The following is an entry in ClinVar:

NM_001849.4(COL6A2):c.1815C>T (p.Cys605=)

Gene: COL6A2 (collagen type VI alpha 2 chain; plus strand). Cytogenetic location: 21q22.3.
Variant type: single nucleotide variant.
Coding change: c.1815C>T on transcript NM_001849.4 (MANE Select); coding-DNA position 1815, C replaced by T.
Protein change: p.Cys605=; no amino-acid change (cysteine 605 retained).
Molecular consequence: synonymous variant.
Genome position (GRCh38, 1-based): chr21:46,125,310, C>T. VCF-style: chr21-46125310-C-T. GRCh37 (hg19) VCF-style: chr21-47545224-C-T.
Other names: c.1815C>T, p.Cys605= (NM_058174.3, NM_058175.3).
Identifiers: ClinVar variation 842073 (VCV000842073.10), dbSNP rs778401356, ClinGen allele CA10072226.

ClinVar aggregate classification (germline): Uncertain significance (1 of 4 stars; one submission).

Conditions:
Bethlem myopathy 1A. Also called: MYOPATHY, BENIGN CONGENITAL, WITH CONTRACTURES; Bethlem Muscular Dystrophy; Bethlem myopathy 1. Identifiers: Orphanet 610, MedGen CN029274, MONDO:0024530, OMIM 158810.

Allele frequency attached by ClinVar (database versions not stated): gnomAD 0.00001; ExAC 0.00002; gnomAD exomes 0.00002; TOPMed 0.00003.

Submission:

Labcorp Genetics (formerly Invitae), Labcorp
Classification: Uncertain significance for Bethlem myopathy 1A. Last evaluated: 2020-12-21. Review status: criteria provided, single submitter. Criteria: Invitae Variant Classification Sherloc (09022015). Collection method: clinical testing. Allele origin: germline.
Comment: This variant is present in population databases (rs778401356, ExAC 0.009%). This variant has not been reported in the literature in individuals with COL6A2-related conditions. Algorithms developed to predict the effect of sequence changes on RNA splicing suggest that this variant may disrupt the consensus splice site, but this prediction has not been confirmed by published transcriptional studies. In summary, the available evidence is currently insufficient to determine the role of this variant in disease. Therefore, it has been classified as a Variant of Uncertain Significance. This sequence change affects codon 605 of the COL6A2 mRNA. It is a 'silent' change, meaning that it does not change the encoded amino acid sequence of the COL6A2 protein.